The following is an entry in ClinVar:

NM_002473.6(MYH9):c.4644G>A (p.Leu1548=)

Gene: MYH9 (myosin heavy chain 9; minus strand). Cytogenetic location: 22q12.3.
Variant type: single nucleotide variant.
Coding change: c.4644G>A on transcript NM_002473.6 (MANE Select); coding-DNA position 4644, G replaced by A.
Protein change: p.Leu1548=; no amino-acid change (leucine 1548 retained).
Molecular consequence: synonymous variant.
Genome position (GRCh38, 1-based): chr22:36,288,853, C>T on the plus strand (G>A on the coding strand, the complement: MYH9 is on the minus strand). VCF-style: chr22-36288853-C-T. GRCh37 (hg19) VCF-style: chr22-36684899-C-T.
Identifiers: ClinVar variation 2653102 (VCV002653102.27), dbSNP rs765280741, ClinGen allele CA10209320.

ClinVar aggregate classification (germline): Likely benign. Review status: criteria provided, multiple submitters, no conflicts (2 of 4 stars). 2 submissions from 2 submitters: Likely benign (2). Last evaluated 2023-09-01.

Allele frequency attached by ClinVar (database versions not stated): ExAC 0.00001; gnomAD exomes 0.00001.
gnomAD v4.1: 3 of 1,614,046 alleles (0.00019%); highest among the groups gnomAD compares: Non-Finnish European, 0.00025%; no homozygotes.

Submissions (2):

CeGaT Center for Human Genetics Tuebingen
Classification: Likely benign. Last evaluated: 2023-09-01. Review status: criteria provided, single submitter. Criteria: CeGaT Center For Human Genetics Tuebingen Variant Classification Criteria Version 2. Collection method: clinical testing. Allele origin: germline. Affected: yes. Observed: 1 variant allele.
Comment: MYH9: BP4, BP7

Labcorp Genetics (formerly Invitae), Labcorp
Classification: Likely benign. Last evaluated: 2023-07-10. Review status: criteria provided, single submitter. Criteria: Invitae Variant Classification Sherloc (09022015). Collection method: clinical testing. Allele origin: germline.